The following is an entry in ClinVar:

NM_003737.4(DCHS1):c.7452G>A (p.Leu2484=)

Gene: DCHS1 (dachsous cadherin-related 1; minus strand). Cytogenetic location: 11p15.4.
Variant type: single nucleotide variant.
Coding change: c.7452G>A on transcript NM_003737.4 (MANE Select); coding-DNA position 7452, G replaced by A.
Protein change: p.Leu2484=; no amino-acid change (leucine 2484 retained).
Molecular consequence: synonymous variant.
Genome position (GRCh38, 1-based): chr11:6,624,224, C>T on the plus strand (G>A on the coding strand, the complement: DCHS1 is on the minus strand). VCF-style: chr11-6624224-C-T. GRCh37 (hg19) VCF-style: chr11-6645455-C-T.
Identifiers: ClinVar variation 727319 (VCV000727319.8), dbSNP rs770679962, ClinGen allele CA5859597.
Genomic context (GRCh38, chr11:6,624,224, plus strand): 5'-CAGGGTGAGCAGAGTGGAGCCAGGGGGCAGGTCTTCAGTCACAGCCACACGGTAGTGTGA[C>T]AATGTGAAGCTCGGGGCGTGGTCGTTCTGGTCCTGCAGCTGCACGTGCACTGTGGCTCGT-3'
Protein context (NP_003728.1, residues 2474-2494): DQNDHAPSFT[Leu2484=]SHYRVAVTED

ClinVar aggregate classification (germline): Likely benign. Review status: criteria provided, single submitter (1 of 4 stars). 2 submissions from 2 submitters: Likely benign (1). 1 of the submissions does not count toward it. Last evaluated 2025-05-11.

Conditions:
DCHS1-related disorder. Also called: DCHS1-related condition.

Allele frequency attached by ClinVar (database versions not stated): gnomAD 0.00002 and 0.00004; TOPMed 0.00005.
gnomAD v4.1: 60 of 1,613,168 alleles (0.0037%); highest among the groups gnomAD compares: African/African-American, 0.0067%; no homozygotes.

Submissions (2):

Labcorp Genetics (formerly Invitae), Labcorp
Classification: Likely benign. Last evaluated: 2025-05-11. Review status: criteria provided, single submitter. Criteria: Invitae Variant Classification Sherloc (09022015). Collection method: clinical testing. Allele origin: germline.

PreventionGenetics, part of Exact Sciences
Classification: Likely benign for DCHS1-related condition. Last evaluated: 2022-12-09. Review status: no assertion criteria provided. Collection method: clinical testing. Allele origin: germline. Not counted in ClinVar's aggregate classification.
Comment: This variant is classified as likely benign based on ACMG/AMP sequence variant interpretation guidelines (Richards et al. 2015 PMID: 25741868, with internal and published modifications).